The following is an entry in ClinVar:

ClinVar aggregate classification (germline): Likely benign. Review status: criteria provided, single submitter (1 of 4 stars). 2 submissions from 2 submitters: Likely benign (1). 1 of the submissions does not count toward it. Last evaluated 2025-08-12.

Conditions:
MME-related disorder. Also called: MME-related condition.

Allele frequency attached by ClinVar (database versions not stated): gnomAD exomes 0.00010 and 0.00036; gnomAD 0.00013 and 0.00014; 1000 Genomes Project 30x 0.00016; 1000 Genomes Project 0.00020; TOPMed 0.00026; ExAC 0.00030.
gnomAD v4.1: 177 of 1,613,576 alleles (0.011%); highest among the groups gnomAD compares: East Asian, 0.33%; no homozygotes.

Submissions (2):

Labcorp Genetics (formerly Invitae), Labcorp
Classification: Likely benign. Last evaluated: 2025-08-12. Review status: criteria provided, single submitter. Criteria: Invitae Variant Classification Sherloc (09022015). Collection method: clinical testing. Allele origin: germline.

PreventionGenetics, part of Exact Sciences
Classification: Likely benign for MME-related condition. Last evaluated: 2023-02-20. Review status: no assertion criteria provided. Collection method: clinical testing. Allele origin: germline. Not counted in ClinVar's aggregate classification.
Comment: This variant is classified as likely benign based on ACMG/AMP sequence variant interpretation guidelines (Richards et al. 2015 PMID: 25741868, with internal and published modifications).

NM_007289.4(MME):c.1778A>G (p.Asn593Ser)

Gene: MME (membrane metalloendopeptidase; plus strand). Cytogenetic location: 3q25.2.
Variant type: single nucleotide variant.
Coding change: c.1778A>G on transcript NM_007289.4 (MANE Select); coding-DNA position 1778, A replaced by G.
Protein change: p.Asn593Ser; replaces asparagine 593 with serine.
Molecular consequence: missense variant.
Genome position (GRCh38, 1-based): chr3:155,167,019, A>G. VCF-style: chr3-155167019-A-G. GRCh37 (hg19) VCF-style: chr3-154884808-A-G.
Other names: c.1778A>G, p.Asn593Ser (NM_000902.5, NM_001354642.2, NM_001354643.1 and 2 more transcripts); c.1778A>G (NM_007289.2); short protein forms N593S.
Identifiers: ClinVar variation 1635700 (VCV001635700.10), dbSNP rs200657784, ClinGen allele CA2675621.
Genomic context (GRCh38, chr3:155,167,019, plus strand): 5'-TGAACTATGGGGGCATCGGCATGGTCATAGGACACGAAATCACCCATGGCTTCGATGACA[A>G]TGGTAAAGTGCAGTTGACATTTTCCTTTGGCTGAGGTATATGCTCATAAATTTGATTAAG-3'
Protein context (NP_009220.2, residues 583-603): GHEITHGFDD[Asn593Ser]GRNFNKDGDL